The following is an entry in ClinVar:

NM_001195263.2(PDZD7):c.2902G>T (p.Gly968Cys)

Gene: PDZD7 (PDZ domain containing 7; minus strand). Cytogenetic location: 10q24.31.
Variant type: single nucleotide variant.
Coding change: c.2902G>T on transcript NM_001195263.2 (MANE Select); coding-DNA position 2902, G replaced by T.
Protein change: p.Gly968Cys; replaces glycine 968 with cysteine.
Molecular consequence: missense variant.
Genome position (GRCh38, 1-based): chr10:101,008,667, C>A on the plus strand (G>T on the coding strand, the complement: PDZD7 is on the minus strand). VCF-style: chr10-101008667-C-A. GRCh37 (hg19) VCF-style: chr10-102768424-C-A.
Other names: short protein forms G968C.
Identifiers: ClinVar variation 1513002 (VCV001513002.6), dbSNP rs2133992409, ClinGen allele CA378223114.
Genomic context (GRCh38, chr10:101,008,667, plus strand): 5'-GGGCAGGAACTGGAGCAGCATCAAGGGGTTGGTGGGCAGGCAAGTGGTCAGCAGGAAGGC[C>A]CCCATCAGTAAGGGCTGATGAGTCAGAGGGTGAGGGCCGTGGGCTGGGCCCGGGGACCCT-3'
Protein context (NP_001182192.1, residues 958-978): PSDSSALTDG[Gly968Cys]LPADHLPAHQ

ClinVar aggregate classification (germline): Uncertain significance (1 of 4 stars; one submission).

Submission:

Labcorp Genetics (formerly Invitae), Labcorp
Classification: Uncertain significance. Last evaluated: 2022-07-18. Review status: criteria provided, single submitter. Criteria: Invitae Variant Classification Sherloc (09022015). Collection method: clinical testing. Allele origin: germline.
Comment: This variant has not been reported in the literature in individuals affected with PDZD7-related conditions. In summary, the available evidence is currently insufficient to determine the role of this variant in disease. Therefore, it has been classified as a Variant of Uncertain Significance. Algorithms developed to predict the effect of missense changes on protein structure and function output the following: SIFT: "Deleterious"; PolyPhen-2: "Not Available"; Align-GVGD: "Class C0". The cysteine amino acid residue is found in multiple mammalian species, which suggests that this missense change does not adversely affect protein function. ClinVar contains an entry for this variant (Variation ID: 1513002). This variant is not present in population databases (gnomAD no frequency). This sequence change replaces glycine, which is neutral and non-polar, with cysteine, which is neutral and slightly polar, at codon 968 of the PDZD7 protein (p.Gly968Cys).